The following is an entry in ClinVar:

NM_000460.4(THPO):c.825del (p.Ser276fs)

Gene: THPO (thrombopoietin; minus strand). Cytogenetic location: 3q27.1.
Variant type: Deletion.
Coding change: c.825del on transcript NM_000460.4 (MANE Select); coding-DNA position 825, one base deleted (C; older notation c.825delC).
Protein change: p.Ser276fs; shifts the reading frame from serine 276.
Molecular consequence: frameshift variant.
Genome position (GRCh38, 1-based): chr3:184,372,750, G deleted on the plus strand (C on the coding strand, the reverse complement: THPO is on the minus strand); the first of 2 consecutive G bases (chr3:184,372,750-184,372,751); deleting either gives the same sequence. VCF-style (leftmost placement, unchanged base first): chr3-184372749-AG-A. GRCh37 (hg19) VCF-style: chr3-184090537-AG-A.
Other names: c.825delC (NM_000460.4); c.813del, p.Ser272fs (NM_001177597.2, NM_001290022.1); c.808del, p.Leu270fs (NM_001177598.2, NM_001290026.1); c.709del, p.Leu237fs (NM_001289997.1, NM_001290027.1); c.825del, p.Ser276fs (NM_001289998.1, NM_001290028.1); c.1245del, p.Ser416fs (NM_001290003.1); short protein forms L237fs, L270fs, S272fs, S276fs, S416fs.
Identifiers: ClinVar variation 1684405 (VCV001684405.1), dbSNP rs2108617673, ClinGen allele CA2573136814.

ClinVar aggregate classification (germline): Pathogenic (0 of 4 stars; one submission).

Conditions:
Thrombocytopenia. Identifiers: MedGen C0040034, MeSH D013921, MONDO:0002049, HP:0001873.

Submission:

ISTH-SSC Genomics in Thrombosis and Hemostasis, KU Leuven, Center for Molecular and Vascular Biology
Classification: Pathogenic for Thrombocytopenia. Review status: no assertion criteria provided. Collection method: research. Allele origin: unknown. Affected: yes.
Comment: Submitted to GoldVariant by Eva Leinoe from Genomic medicine, Rigshospitalet, Copenhagen, Denmark